The following is an entry in ClinVar:

NM_001846.4(COL4A2):c.109A>C (p.Lys37Gln)

Gene: COL4A2 (collagen type IV alpha 2 chain; plus strand). Cytogenetic location: 13q34.
Variant type: single nucleotide variant.
Coding change: c.109A>C on transcript NM_001846.4 (MANE Select); coding-DNA position 109, A replaced by C.
Protein change: p.Lys37Gln; replaces lysine 37 with glutamine.
Molecular consequence: missense variant.
Genome position (GRCh38, 1-based): chr13:110,357,481, A>C. VCF-style: chr13-110357481-A-C. GRCh37 (hg19) VCF-style: chr13-111009828-A-C.
Other names: short protein forms K37Q.
Identifiers: ClinVar variation 2761555 (VCV002761555.3), dbSNP rs2501942730, ClinGen allele CA388730271.

ClinVar aggregate classification (germline): Uncertain significance (1 of 4 stars; one submission).

gnomAD v4.1: 1 of 1,590,894 alleles (0.000063%); no homozygotes.

Submission:

Labcorp Genetics (formerly Invitae), Labcorp
Classification: Uncertain significance. Last evaluated: 2024-01-03. Review status: criteria provided, single submitter. Criteria: Invitae Variant Classification Sherloc (09022015). Collection method: clinical testing. Allele origin: germline.
Comment: This sequence change replaces lysine, which is basic and polar, with glutamine, which is neutral and polar, at codon 37 of the COL4A2 protein (p.Lys37Gln). This variant is not present in population databases (gnomAD no frequency). This variant has not been reported in the literature in individuals affected with COL4A2-related conditions. Advanced modeling of protein sequence and biophysical properties (such as structural, functional, and spatial information, amino acid conservation, physicochemical variation, residue mobility, and thermodynamic stability) performed at Invitae indicates that this missense variant is not expected to disrupt COL4A2 protein function with a negative predictive value of 95%. In summary, the available evidence is currently insufficient to determine the role of this variant in disease. Therefore, it has been classified as a Variant of Uncertain Significance.